The following is an entry in ClinVar:

NM_004560.4(ROR2):c.637A>G (p.Ile213Val)

Gene: ROR2 (receptor tyrosine kinase like orphan receptor 2; minus strand). Cytogenetic location: 9q22.31.
Variant type: single nucleotide variant.
Coding change: c.637A>G on transcript NM_004560.4 (MANE Select); coding-DNA position 637, A replaced by G.
Protein change: p.Ile213Val; replaces isoleucine 213 with valine.
Molecular consequence: missense variant.
Genome position (GRCh38, 1-based): chr9:91,733,422, T>C on the plus strand (A>G on the coding strand, the complement: ROR2 is on the minus strand). VCF-style: chr9-91733422-T-C. GRCh37 (hg19) VCF-style: chr9-94495704-T-C.
Other names: c.637A>G, p.Ile213Val (NM_001318204.2); short protein forms I213V.
Identifiers: ClinVar variation 2776081 (VCV002776081.3), dbSNP rs1824896843, ClinGen allele CA373801537.

ClinVar aggregate classification (germline): Uncertain significance (1 of 4 stars; one submission).

Submission:

Labcorp Genetics (formerly Invitae), Labcorp
Classification: Uncertain significance. Last evaluated: 2023-08-17. Review status: criteria provided, single submitter. Criteria: Invitae Variant Classification Sherloc (09022015). Collection method: clinical testing. Allele origin: germline.
Comment: Advanced modeling of protein sequence and biophysical properties (such as structural, functional, and spatial information, amino acid conservation, physicochemical variation, residue mobility, and thermodynamic stability) performed at Invitae indicates that this missense variant is not expected to disrupt ROR2 protein function. This variant has not been reported in the literature in individuals affected with ROR2-related conditions. This variant is not present in population databases (gnomAD no frequency). This sequence change replaces isoleucine, which is neutral and non-polar, with valine, which is neutral and non-polar, at codon 213 of the ROR2 protein (p.Ile213Val). In summary, the available evidence is currently insufficient to determine the role of this variant in disease. Therefore, it has been classified as a Variant of Uncertain Significance.